The following is an entry in ClinVar:

NM_001142800.2(EYS):c.116A>G (p.Tyr39Cys)

Gene: EYS (EGF-like photoreceptor maintenance factor; minus strand). Cytogenetic location: 6q12.
Variant type: single nucleotide variant.
Coding change: c.116A>G on transcript NM_001142800.2 (MANE Select); coding-DNA position 116, A replaced by G.
Protein change: p.Tyr39Cys; replaces tyrosine 39 with cysteine.
Molecular consequence: missense variant.
Genome position (GRCh38, 1-based): chr6:65,495,295, T>C on the plus strand (A>G on the coding strand, the complement: EYS is on the minus strand). VCF-style: chr6-65495295-T-C. GRCh37 (hg19) VCF-style: chr6-66205188-T-C.
Other names: c.116A>G, p.Tyr39Cys (NM_001142801.2, NM_001292009.2, NM_198283.2); short protein forms Y39C.
Identifiers: ClinVar variation 1014120 (VCV001014120.4), dbSNP rs45541238, ClinGen allele CA3878126.
Genomic context (GRCh38, chr6:65,495,295, plus strand): 5'-AACCAGCAATCTCTGTAGAAGTCCAAGCAGATGTTTTCTGTTAGTGTCCAATTTACCACA[T>C]ATGATGAGGGTTGTGGATGCCATTCTTCCACCAATTGCCGTCTACATGTTTTTCCATTTA-3'
Protein context (NP_001136272.1, residues 29-49): VEEWHPQPSS[Tyr39Cys]VVNWTLTENI

ClinVar aggregate classification (germline): Uncertain significance. Review status: criteria provided, multiple submitters, no conflicts (2 of 4 stars). 3 submissions from 3 submitters: Uncertain significance (2). 1 of the submissions does not count toward it. Last evaluated 2022-10-13.

Conditions:
Retinitis pigmentosa 25 (RP25). Identifiers: Orphanet 791, MedGen C1864446, MONDO:0011272, OMIM 602772.

Allele frequency attached by ClinVar (database versions not stated): ExAC 0.00002; gnomAD exomes 0.00002 and 0.00005; TOPMed 0.00002; gnomAD 0.00004; 1000 Genomes Project 30x 0.00016; 1000 Genomes Project 0.00020.
gnomAD v4.1: 77 of 1,614,090 alleles (0.0048%); highest among the groups gnomAD compares: Non-Finnish European, 0.0063%; no homozygotes.

Submissions (3):

Labcorp Genetics (formerly Invitae), Labcorp
Classification: Uncertain significance. Last evaluated: 2022-10-13. Review status: criteria provided, single submitter. Criteria: Invitae Variant Classification Sherloc (09022015). Collection method: clinical testing. Allele origin: germline.
Comment: This sequence change replaces tyrosine, which is neutral and polar, with cysteine, which is neutral and slightly polar, at codon 39 of the EYS protein (p.Tyr39Cys). This variant is present in population databases (rs45541238, gnomAD 0.005%). This variant has not been reported in the literature in individuals affected with EYS-related conditions. ClinVar contains an entry for this variant (Variation ID: 1014120). Algorithms developed to predict the effect of missense changes on protein structure and function output the following: SIFT: "Tolerated"; PolyPhen-2: "Possibly Damaging"; Align-GVGD: "Class C0". The cysteine amino acid residue is found in multiple mammalian species, which suggests that this missense change does not adversely affect protein function. In summary, the available evidence is currently insufficient to determine the role of this variant in disease. Therefore, it has been classified as a Variant of Uncertain Significance.

Blueprint Genetics
Classification: Uncertain significance. Last evaluated: 2022-04-19. Review status: criteria provided, single submitter. Criteria: ACMG Guidelines, 2015. Collection method: clinical testing. Allele origin: germline.

Natera, Inc.
Classification: Uncertain significance for Retinitis pigmentosa type 25. Last evaluated: 2021-04-14. Review status: no assertion criteria provided. Collection method: clinical testing. Allele origin: germline. Not counted in ClinVar's aggregate classification.